The following is an entry in ClinVar:

NM_017654.4(SAMD9):c.41G>T (p.Trp14Leu)

Gene: SAMD9 (sterile alpha motif domain containing 9; minus strand). Cytogenetic location: 7q21.2.
Variant type: single nucleotide variant.
Coding change: c.41G>T on transcript NM_017654.4 (MANE Select); coding-DNA position 41, G replaced by T.
Protein change: p.Trp14Leu; replaces tryptophan 14 with leucine.
Molecular consequence: missense variant.
Genome position (GRCh38, 1-based): chr7:93,106,057, C>A on the plus strand (G>T on the coding strand, the complement: SAMD9 is on the minus strand). VCF-style: chr7-93106057-C-A. GRCh37 (hg19) VCF-style: chr7-92735370-C-A.
Other names: c.41G>T, p.Trp14Leu (NM_001193307.2); short protein forms W14L.
Identifiers: ClinVar variation 3791973 (VCV003791973.1).
Genomic context (GRCh38, chr7:93,106,057, plus strand): 5'-TCCCTGTGTTTTTGGTCAATCTTATGACTTTCTAACCACTGATTTACATCCTCTTTTGTC[C>A]AATCATCTGTATTTTCTGGAAGGTTAAGTTGCTTTGCCATTCTGATACCTATATGTAGAA-3'
Protein context (NP_060124.2, residues 4-24): QLNLPENTDD[Trp14Leu]TKEDVNQWLE

ClinVar aggregate classification (germline): Uncertain significance (1 of 4 stars; one submission).

Conditions:
Inborn genetic diseases. Identifiers: MedGen C0950123, MeSH D030342.

Submission:

Ambry Genetics
Classification: Uncertain significance for Inborn genetic diseases. Last evaluated: 2025-01-04. Review status: criteria provided, single submitter. Criteria: Ambry Variant Classification Scheme 2023. Collection method: clinical testing. Allele origin: germline.
Comment: The p.W14L variant (also known as c.41G>T), located in coding exon 1 of the SAMD9 gene, results from a G to T substitution at nucleotide position 41. The tryptophan at codon 14 is replaced by leucine, an amino acid with similar properties. This amino acid position is conserved. In addition, this alteration is predicted to be deleterious by in silico analysis. Based on the available evidence, the clinical significance of this variant remains unclear.